The following is an entry in ClinVar:

NM_032444.4(SLX4):c.2912_2913delinsGC (p.Glu971Gly)

Gene: SLX4 (SLX4 structure-specific endonuclease subunit; minus strand). Cytogenetic location: 16p13.3.
Variant type: Indel.
Coding change: c.2912_2913delinsGC on transcript NM_032444.4 (MANE Select); coding-DNA positions 2912 to 2913, AA replaced by GC.
Protein change: p.Glu971Gly; replaces glutamic acid 971 with glycine.
Molecular consequence: missense variant.
Genome position (GRCh38, 1-based): chr16:3,590,725-3,590,726, TT replaced by GC on the plus strand (AA replaced by GC on the coding strand, the reverse complement: SLX4 is on the minus strand). VCF-style: chr16-3590725-TT-GC. GRCh37 (hg19) VCF-style: chr16-3640726-TT-GC.
Other names: short protein forms E971G.
Identifiers: ClinVar variation 1060856 (VCV001060856.7), dbSNP rs2151124807, ClinGen allele CA2499223517.

ClinVar aggregate classification (germline): Uncertain significance (1 of 4 stars; one submission).

Conditions:
Fanconi anemia (FA). Also called: Fanconi's anemia. Identifiers: Orphanet 84, MedGen C0015625, MeSH D005199, MONDO:0019391.

Submission:

Labcorp Genetics (formerly Invitae), Labcorp
Classification: Uncertain significance for Fanconi anemia. Last evaluated: 2020-05-12. Review status: criteria provided, single submitter. Criteria: Invitae Variant Classification Sherloc (09022015). Collection method: clinical testing. Allele origin: germline.
Comment: This variant is not present in population databases (ExAC no frequency). This sequence change replaces glutamic acid with glycine at codon 971 of the SLX4 protein (p.Glu971Gly). The glutamic acid residue is moderately conserved and there is a moderate physicochemical difference between glutamic acid and glycine. This variant has not been reported in the literature in individuals with SLX4-related conditions. In summary, the available evidence is currently insufficient to determine the role of this variant in disease. Therefore, it has been classified as a Variant of Uncertain Significance. Algorithms developed to predict the effect of missense changes on protein structure and function output the following: SIFT: "Not Available"; PolyPhen-2: "Benign"; Align-GVGD: "Not Available". The glycine amino acid residue is found in multiple mammalian species, suggesting that this missense change does not adversely affect protein function. These predictions have not been confirmed by published functional studies and their clinical significance is uncertain.